The following is an entry in ClinVar:

GRCh37/hg19 2q31.1-32.2(chr2:171436894-189531954)x1

Genes: AGPS (alkylglycerone phosphate synthase; plus strand), ATF2 (activating transcription factor 2; minus strand), ATP5MC3 (ATP synthase membrane subunit c locus 3; minus strand), CALCRL (calcitonin receptor like receptor; minus strand), CCDC141 (coiled-coil domain containing 141; minus strand) and 78 more. Cytogenetic location: 2q31.1-32.2.
Variant type: copy number loss.
Change: copy number 1 (one copy instead of two) of chr2:171,436,894-189,531,954 (18.10 Mb, GRCh37 coordinates, 1-based), cytogenetic band 2q31.1-32.2.
Identifiers: ClinVar variation 4682546 (VCV004682546.1).

ClinVar aggregate classification (germline): Pathogenic (1 of 4 stars; one submission).

Submission:

Quest Diagnostics Nichols Institute San Juan Capistrano
Classification: Pathogenic. Last evaluated: 2024-11-18. Review status: criteria provided, single submitter. Criteria: ACMG/ClinGen CNV Guidelines, 2019. Collection method: clinical testing. Allele origin: unknown.
Comment: This deletion involves at least 81 protein-coding genes, including three haploinsufficient genes: HOXD13 (OMIM 142989; CCID:007292), TTN (OMIM 188840; CCID:008063), and NCKAP1 (OMIM 604891; CCID:007524). Deletions of 2q31.2 are associated with 2q31.2 deletion syndrome (OMIM 612345). Additionally, larger deletions that include this 2q31.2 region have been identified in affected individuals (Candelo 2024, Manolakos 2011, Okamoto 2017). There are no similar copy number losses of this region in the general populations of the Database of Genomic Variants. Thus, based on current medical literature, this copy number variant (CNV) is classified as pathogenic. References: Candelo et al., BMC Pediatr. 2024 Oct 9;24(1):641. PMID: 39385145 Manolakos et al., Am J Med Genet A. 2011 Jun;155A(6):1476-82. PMID: 21567918 Okamoto et al., Congenit Anom (Kyoto). 2017 Nov;57(6):197-200. PMID: 28145600.